The following is an entry in ClinVar:

NM_001372.4(DNAH9):c.8345dup (p.Glu2783fs)

Gene: DNAH9 (dynein axonemal heavy chain 9; plus strand). Cytogenetic location: 17p12.
Variant type: Duplication.
Coding change: c.8345dup on transcript NM_001372.4 (MANE Select); coding-DNA position 8345, one base duplicated (T; older notation c.8345dupT).
Protein change: p.Glu2783fs; shifts the reading frame from glutamic acid 2783.
Molecular consequence: frameshift variant.
Genome position (GRCh38, 1-based): chr17:11,797,718, T duplicated. VCF-style (leftmost placement, unchanged base first): chr17-11797717-G-GT. GRCh37 (hg19) VCF-style: chr17-11701034-G-GT.
Other names: short protein forms E2783fs.
Identifiers: ClinVar variation 3689533 (VCV003689533.2).
Genomic context (GRCh38, chr17:11,797,717, plus strand): 5'-GGTATTGGGGAGCCCAAATACATGCCTGTACAGTCTTGGGAACTTTTGACCCAGACTCTG[G>GT]TGGAGGCCTTGGAGAACCACAATGAAGTCAACACAGTGATGGACCTAGTTCTCTTTGAGG-3'

ClinVar aggregate classification (germline): Pathogenic (1 of 4 stars; one submission).

Submission:

Labcorp Genetics (formerly Invitae), Labcorp
Classification: Pathogenic. Last evaluated: 2024-02-29. Review status: criteria provided, single submitter. Criteria: Invitae Variant Classification Sherloc (09022015). Collection method: clinical testing. Allele origin: germline.
Comment: This sequence change creates a premature translational stop signal (p.Glu2783Glyfs*8) in the DNAH9 gene. It is expected to result in an absent or disrupted protein product. Loss-of-function variants in DNAH9 are known to be pathogenic (PMID: 30471718). This variant is present in population databases (rs760131761, gnomAD 0.007%). This variant has not been reported in the literature in individuals affected with DNAH9-related conditions. For these reasons, this variant has been classified as Pathogenic.

Literature cited by the submitters: PubMed 30471718.